The following is an entry in ClinVar:

ClinVar aggregate classification (germline): Uncertain significance (1 of 4 stars; one submission).

Submission:

Labcorp Genetics (formerly Invitae), Labcorp
Classification: Uncertain significance. Last evaluated: 2020-02-19. Review status: criteria provided, single submitter. Criteria: Invitae Variant Classification Sherloc (09022015). Collection method: clinical testing. Allele origin: germline.
Comment: This sequence change replaces proline with arginine at codon 477 of the PDE6B protein (p.Pro477Arg). The proline residue is highly conserved and there is a moderate physicochemical difference between proline and arginine. This variant is not present in population databases (ExAC no frequency). This variant has been observed in individual(s) with retinitis pigmentosa (Invitae). Algorithms developed to predict the effect of missense changes on protein structure and function are either unavailable or do not agree on the potential impact of this missense change (SIFT: "Deleterious"; PolyPhen-2: "Probably Damaging"; Align-GVGD: "Class C0"). In summary, the available evidence is currently insufficient to determine the role of this variant in disease. Therefore, it has been classified as a Variant of Uncertain Significance.

NM_000283.4(PDE6B):c.1430C>G (p.Pro477Arg)

Gene: PDE6B (phosphodiesterase 6B; plus strand). Cytogenetic location: 4p16.3.
Variant type: single nucleotide variant.
Coding change: c.1430C>G on transcript NM_000283.4 (MANE Select); coding-DNA position 1430, C replaced by G.
Protein change: p.Pro477Arg; replaces proline 477 with arginine.
Molecular consequence: missense variant.
Genome position (GRCh38, 1-based): chr4:658,980, C>G. VCF-style: chr4-658980-C-G. GRCh37 (hg19) VCF-style: chr4-652769-C-G.
Other names: c.1430C>G, p.Pro477Arg (NM_001145291.2); c.593C>G, p.Pro198Arg (NM_001145292.2, NM_001350154.3, NM_001379246.1 and 1 more transcripts); c.275C>G, p.Pro92Arg (NM_001350155.3); short protein forms P477R, P92R, P198R.
Identifiers: ClinVar variation 864728 (VCV000864728.9), dbSNP rs765743401, ClinGen allele CA355915350.
Genomic context (GRCh38, chr4:658,980, plus strand): 5'-CTTTCTCGTGACACATCTGTGTCTCTGTGTAGCCAACCAGAGCGCGCCTGGGGAAGGAGC[C>G]TGCTGACTGCGATGAGGACGAGCTGGGCGAAATCCTGGTAAGAACCTTGCTCCCGTCCCT-3'
Protein context (NP_000274.3, residues 467-487): LPTRARLGKE[Pro477Arg]ADCDEDELGE